The following is an entry in ClinVar:

NM_198525.3(KIF7):c.2642C>T (p.Thr881Met)

Gene: KIF7 (kinesin family member 7; minus strand). Cytogenetic location: 15q26.1.
Variant type: single nucleotide variant.
Coding change: c.2642C>T on transcript NM_198525.3 (MANE Select); coding-DNA position 2642, C replaced by T.
Protein change: p.Thr881Met; replaces threonine 881 with methionine.
Molecular consequence: missense variant.
Genome position (GRCh38, 1-based): chr15:89,633,217, G>A on the plus strand (C>T on the coding strand, the complement: KIF7 is on the minus strand). VCF-style: chr15-89633217-G-A. GRCh37 (hg19) VCF-style: chr15-90176448-G-A.
Other names: c.2642C>T (NM_198525.2); short protein forms T881M.
Identifiers: ClinVar variation 1501465 (VCV001501465.12), dbSNP rs372660203, ClinGen allele CA7728060.

ClinVar aggregate classification (germline): Uncertain significance. Review status: criteria provided, multiple submitters, no conflicts (2 of 4 stars). 6 submissions from 6 submitters: Uncertain significance (6). Last evaluated 2025-07-03.

Conditions:
Acrocallosal syndrome (ACLS). Also called: Schinzel syndrome 1; Absence of corpus callosum with unusual facial appearance, mental deficiency, duplication of the halluces and polydactyly; HALLUX DUPLICATION, POSTAXIAL POLYDACTYLY, AND ABSENCE OF CORPUS CALLOSUM. Identifiers: Orphanet 36, MedGen C0796147, MONDO:0008708, OMIM 200990.
Hydrolethalus syndrome 2 (HLS2). Identifiers: Orphanet 2189, MedGen C3279899, MONDO:0013585, OMIM 614120.
Multiple epiphyseal dysplasia, Al-Gazali type. Also called: Macrocephaly with multiple epiphyseal dysplasia and distinctive facies. Identifiers: Orphanet 166024, MedGen C1846722, MONDO:0011778, OMIM 607131.
Inborn genetic diseases. Identifiers: MedGen C0950123, MeSH D030342.

Allele frequency attached by ClinVar (database versions not stated): gnomAD 0.00005; ESP Exome Variant Server 0.00008; ExAC 0.00012.
gnomAD v4.1: 112 of 1,595,570 alleles (0.007%); highest among the groups gnomAD compares: Admixed American, 0.031%; 1 homozygote.

Submissions (6):

Dasa
Classification: Uncertain significance. Last evaluated: 2025-07-03. Review status: criteria provided, single submitter. Criteria: DASA Assertion Criteria. Collection method: clinical testing. Allele origin: germline.
Comment: NM_198525.3(KIF7):c.2642C>T (p.Thr881Met) is a missense variant that results in the substitution of threonine with methionine. This variant is rare in population databases. Computational prediction algorithms are consistent with a benign effect. The currently available literature and clinical evidence are not sufficient to establish a definitive association between this variant and the reported condition. Therefore, this variant is classified as a variant of uncertain significance.

Blueprint Genetics
Classification: Uncertain significance. Last evaluated: 2024-06-19. Review status: criteria provided, single submitter. Criteria: ACMG Guidelines, 2015. Collection method: clinical testing. Allele origin: germline.

GeneDx
Classification: Uncertain significance. Last evaluated: 2024-05-18. Review status: criteria provided, single submitter. Criteria: GeneDx Variant Classification Process June 2021. Collection method: clinical testing. Allele origin: germline. Affected: yes.
Comment: In silico analysis supports that this missense variant has a deleterious effect on protein structure/function; Has not been previously published as pathogenic or benign to our knowledge

Labcorp Genetics (formerly Invitae), Labcorp
Classification: Uncertain significance for Acrocallosal syndrome. Last evaluated: 2022-10-24. Review status: criteria provided, single submitter. Criteria: Invitae Variant Classification Sherloc (09022015). Collection method: clinical testing. Allele origin: germline.
Comment: This sequence change replaces threonine, which is neutral and polar, with methionine, which is neutral and non-polar, at codon 881 of the KIF7 protein (p.Thr881Met). This variant is present in population databases (rs372660203, gnomAD 0.04%), including at least one homozygous and/or hemizygous individual. This variant has not been reported in the literature in individuals affected with KIF7-related conditions. ClinVar contains an entry for this variant (Variation ID: 1501465). Advanced modeling of protein sequence and biophysical properties (such as structural, functional, and spatial information, amino acid conservation, physicochemical variation, residue mobility, and thermodynamic stability) has been performed at Invitae for this missense variant, however the output from this modeling did not meet the statistical confidence thresholds required to predict the impact of this variant on KIF7 protein function. In summary, the available evidence is currently insufficient to determine the role of this variant in disease. Therefore, it has been classified as a Variant of Uncertain Significance.

Fulgent Genetics
Classification: Uncertain significance for Acrocallosal syndrome; Multiple epiphyseal dysplasia, Al-Gazali type; Hydrolethalus syndrome 2. Last evaluated: 2021-07-21. Review status: criteria provided, single submitter. Criteria: ACMG Guidelines, 2015. Collection method: clinical testing. Allele origin: unknown.

Ambry Genetics
Classification: Uncertain significance for Inborn genetic diseases. Last evaluated: 2020-11-13. Review status: criteria provided, single submitter. Criteria: Ambry Variant Classification Scheme 2023. Collection method: clinical testing. Allele origin: germline.
Comment: The c.2642C>T (p.T881M) alteration is located in exon 13 (coding exon 12) of the KIF7 gene. This alteration results from a C to T substitution at nucleotide position 2642, causing the threonine (T) at amino acid position 881 to be replaced by a methionine (M). Based on data from the Genome Aggregation Database (gnomAD) database, the KIF7 c.2642C>T alteration was observed in 0.01% (22/219568) of total alleles studied. This amino acid position is highly conserved in available vertebrate species. The p.T881M alteration is predicted to be tolerated by in silico analysis. Based on insufficient or conflicting evidence, the clinical significance of this alteration remains unclear.